The following is an entry in ClinVar:

ClinVar aggregate classification (germline): Pathogenic (1 of 4 stars; one submission).

Submission:

ISCA site 4
Classification: Pathogenic. Last evaluated: 2011-08-12. Review status: criteria provided, single submitter. Criteria: Kaminsky et al. (Genet Med. 2011). Collection method: clinical testing. Allele origin: de novo. Affected: yes. Observed: 1 variant allele.
Comment: Copy number variation identified through the course of routine clinical cytogenomic testing in postnatal populations. Clinical assertions have been curated as described in Kaminsky et al. 2011.

GRCh38/hg38 22q11.21(chr22:18339130-20354644)x1

Genes: MIR1286 (microRNA 1286; minus strand), MIR1306 (microRNA 1306; plus strand), MIR185 (microRNA 185; plus strand), MIR3618 (microRNA 3618; plus strand), MIR4761 (microRNA 4761; plus strand) and 119 more. Cytogenetic location: 22q11.21.
Variant type: copy number loss.
Change: copy number 1 (one copy instead of two) of chr22:18,339,130-20,354,644 (2.02 Mb, GRCh38 coordinates, 1-based), cytogenetic band 22q11.21.
Identifiers: ClinVar variation 161049 (VCV000161049.1).